The following is an entry in ClinVar:

NM_145239.3(PRRT2):c.1013-12C>T

Genes: MVP-DT (MVP divergent transcript; minus strand), PRRT2 (proline rich transmembrane protein 2; plus strand). Cytogenetic location: 16p11.2.
Variant type: single nucleotide variant.
Coding change: c.1013-12C>T on transcript NM_145239.3 (MANE Select); 12 bases into the intron before coding-DNA position 1013, C replaced by T.
Molecular consequence: intron variant. On other transcripts: missense variant (1), 3 prime UTR variant (1).
Genome position (GRCh38, 1-based): chr16:29,814,616, C>T. VCF-style: chr16-29814616-C-T. GRCh37 (hg19) VCF-style: chr16-29825937-C-T.
Other names: c.1163C>T, p.Ser388Phe (NM_001256442.2); c.*662C>T (NM_001256443.2); short protein forms S388F.
Identifiers: ClinVar variation 671218 (VCV000671218.1), dbSNP rs765953118, ClinGen allele CA395481490.

ClinVar aggregate classification (germline): Likely benign (1 of 4 stars; one submission).

gnomAD v4.1: 1 of 1,612,908 alleles (0.000062%); highest among the groups gnomAD compares: Non-Finnish European, 0.000085%; no homozygotes.

Submission:

GeneDx
Classification: Likely benign. Last evaluated: 2018-06-13. Review status: criteria provided, single submitter. Criteria: GeneDx Variant Classification (06012015). Collection method: clinical testing. Allele origin: germline. Affected: yes.
Comment: This variant is considered likely benign or benign based on one or more of the following criteria: it is a conservative change, it occurs at a poorly conserved position in the protein, it is predicted to be benign by multiple in silico algorithms, and/or has population frequency not consistent with disease.